The following is an entry in ClinVar:

ClinVar aggregate classification (germline): Conflicting classifications of pathogenicity. Review status: criteria provided, conflicting classifications (1 of 4 stars). 3 submissions from 3 submitters: Uncertain significance (1); Likely benign (1). 1 of the submissions does not count toward it. Last evaluated 2025-01-06.

Conditions:
Kabuki syndrome 1 (KABUK1). Also called: KMT2D-Related Kabuki Syndrome. Identifiers: Orphanet 2322, MedGen CN030661, MONDO:0007843, OMIM 147920.
Choanal atresia-athelia-hypothyroidism-delayed puberty-short stature syndrome (BCAHH). Also called: BRANCHIAL ARCH ABNORMALITIES, CHOANAL ATRESIA, ATHELIA, HEARING LOSS, AND HYPOTHYROIDISM SYNDROME. Identifiers: Orphanet 589856, MedGen C5680310, MONDO:0035651, OMIM 620186.
KMT2D-related disorder. Also called: KMT2D-Related Disorders.
Kabuki syndrome. Also called: Kabuki make-up syndrome; NIIKAWA-KUROKI SYNDROME. Identifiers: Orphanet 2322, MedGen C0796004, MONDO:0016512.

Allele frequency attached by ClinVar (database versions not stated): gnomAD exomes 0.00001; TOPMed 0.00001.

Submissions (3):

Labcorp Genetics (formerly Invitae), Labcorp
Classification: Likely benign for Kabuki syndrome. Last evaluated: 2025-01-06. Review status: criteria provided, single submitter. Criteria: Invitae Variant Classification Sherloc (09022015). Collection method: clinical testing. Allele origin: germline.

Fulgent Genetics
Classification: Uncertain significance for Kabuki syndrome 1; Choanal atresia-athelia-hypothyroidism-delayed puberty-short stature syndrome. Last evaluated: 2024-04-12. Review status: criteria provided, single submitter. Criteria: ACMG Guidelines, 2015. Collection method: clinical testing. Allele origin: germline.

PreventionGenetics, part of Exact Sciences
Classification: Likely benign for KMT2D-related condition. Last evaluated: 2023-05-19. Review status: no assertion criteria provided. Collection method: clinical testing. Allele origin: germline. Not counted in ClinVar's aggregate classification.
Comment: This variant is classified as likely benign based on ACMG/AMP sequence variant interpretation guidelines (Richards et al. 2015 PMID: 25741868, with internal and published modifications).

NM_003482.4(KMT2D):c.15771C>T (p.Asp5257=)

Gene: KMT2D (lysine methyltransferase 2D; minus strand). Cytogenetic location: 12q13.12.
Variant type: single nucleotide variant.
Coding change: c.15771C>T on transcript NM_003482.4 (MANE Select); coding-DNA position 15771, C replaced by T.
Protein change: p.Asp5257=; no amino-acid change (aspartic acid 5257 retained).
Molecular consequence: synonymous variant.
Genome position (GRCh38, 1-based): chr12:49,026,195, G>A on the plus strand (C>T on the coding strand, the complement: KMT2D is on the minus strand). VCF-style: chr12-49026195-G-A. GRCh37 (hg19) VCF-style: chr12-49419978-G-A.
Other names: c.15771C>T (NM_003482.3).
Identifiers: ClinVar variation 1544271 (VCV001544271.12), dbSNP rs917933038, ClinGen allele CA236633537.